The following is an entry in ClinVar:

ClinVar aggregate classification (germline): Uncertain significance (1 of 4 stars; one submission).

Conditions:
Cardiovascular phenotype. Identifiers: MedGen CN230736.

Submission:

Ambry Genetics
Classification: Uncertain significance for Cardiovascular phenotype. Last evaluated: 2021-08-05. Review status: criteria provided, single submitter. Criteria: Ambry Variant Classification Scheme 2023. Collection method: clinical testing. Allele origin: germline.
Comment: The p.S13R variant (also known as c.37A>C), located in coding exon 1 of the SCN2B gene, results from an A to C substitution at nucleotide position 37. The serine at codon 13 is replaced by arginine, an amino acid with dissimilar properties. This amino acid position is conserved. In addition, the in silico prediction for this alteration is inconclusive. Since supporting evidence is limited at this time, the clinical significance of this alteration remains unclear.

NM_004588.5(SCN2B):c.37A>C (p.Ser13Arg)

Gene: SCN2B (sodium voltage-gated channel beta subunit 2; minus strand). Cytogenetic location: 11q23.3.
Variant type: single nucleotide variant.
Coding change: c.37A>C on transcript NM_004588.5 (MANE Select); coding-DNA position 37, A replaced by C.
Protein change: p.Ser13Arg; replaces serine 13 with arginine.
Molecular consequence: missense variant.
Genome position (GRCh38, 1-based): chr11:118,176,395, T>G on the plus strand (A>C on the coding strand, the complement: SCN2B is on the minus strand). VCF-style: chr11-118176395-T-G. GRCh37 (hg19) VCF-style: chr11-118047110-T-G.
Other names: short protein forms S13R.
Identifiers: ClinVar variation 1735029 (VCV001735029.2), dbSNP rs1591447468, ClinGen allele CA382771449.
Genomic context (GRCh38, chr11:118,176,395, plus strand): 5'-GGGAGCATGCAGATGTGTCTAACTTACCCAAAGAGAAAAAGAGACTGAGCCCCGTGAGGC[T>G]GAAGGCAGGGCGAGGTAGCCAGGCATCTCTGTGCATTTTCAGAGACTGAGATGTTAGTCG-3'
Protein context (NP_004579.1, residues 3-23): RDAWLPRPAF[Ser13Arg]LTGLSLFFSL